The following is an entry in ClinVar:

ClinVar aggregate classification (germline): Benign/Likely benign. Review status: criteria provided, multiple submitters, no conflicts (2 of 4 stars). 6 submissions from 6 submitters: Benign (2); Likely benign (3). 1 of the submissions does not count toward it. Last evaluated 2026-01-11.

Conditions:
ALG13-related disorder. Also called: ALG13-related condition.
Developmental and epileptic encephalopathy, 36 (DEE36). Also called: Epileptic encephalopathy, early infantile, 36; ALG13-CDG; Congenital disorder of glycosylation, type Is. Identifiers: Orphanet 324422, MedGen C4317295, MONDO:0010472, OMIM 300884.

Allele frequency attached by ClinVar (database versions not stated): gnomAD 0.00002; TOPMed 0.00004; gnomAD exomes 0.00010 and 0.00025; ExAC 0.00032.
gnomAD v4.1: 46 of 1,209,519 alleles (0.0038%); highest among the groups gnomAD compares: Admixed American, 0.098%; 1 homozygote.

Submissions (6):

Labcorp Genetics (formerly Invitae), Labcorp
Classification: Benign for Developmental and epileptic encephalopathy, 36. Last evaluated: 2026-01-11. Review status: criteria provided, single submitter. Criteria: Invitae Variant Classification Sherloc (09022015). Collection method: clinical testing. Allele origin: germline.

CeGaT Center for Human Genetics Tuebingen
Classification: Likely benign. Last evaluated: 2026-01-01. Review status: criteria provided, single submitter. Criteria: CeGaT Center For Human Genetics Tuebingen Variant Classification Criteria Version 2. Collection method: clinical testing. Allele origin: germline. Affected: yes. Observed: 2 variant alleles.
Comment: ALG13: BP4, BS2

Genome-Nilou Lab
Classification: Benign for Developmental and epileptic encephalopathy, 36. Last evaluated: 2021-12-05. Review status: criteria provided, single submitter. Criteria: ACMG Guidelines, 2015. Collection method: clinical testing. Allele origin: germline. Affected: no.

Fulgent Genetics
Classification: Likely benign for Developmental and epileptic encephalopathy, 36. Last evaluated: 2021-11-19. Review status: criteria provided, single submitter. Criteria: ACMG Guidelines, 2015. Collection method: clinical testing. Allele origin: unknown.

GeneDx
Classification: Likely benign. Last evaluated: 2021-05-21. Review status: criteria provided, single submitter. Criteria: GeneDx Variant Classification Process June 2021. Collection method: clinical testing. Allele origin: germline. Affected: yes.

PreventionGenetics, part of Exact Sciences
Classification: Likely benign for ALG13-related condition. Last evaluated: 2023-03-08. Review status: no assertion criteria provided. Collection method: clinical testing. Allele origin: germline. Not counted in ClinVar's aggregate classification.
Comment: This variant is classified as likely benign based on ACMG/AMP sequence variant interpretation guidelines (Richards et al. 2015 PMID: 25741868, with internal and published modifications).

NM_001099922.3(ALG13):c.2278G>T (p.Ala760Ser)

Gene: ALG13 (ALG13 UDP-N-acetylglucosaminyltransferase subunit; plus strand). Cytogenetic location: Xq23.
Variant type: single nucleotide variant.
Coding change: c.2278G>T on transcript NM_001099922.3 (MANE Select); coding-DNA position 2278, G replaced by T.
Protein change: p.Ala760Ser; replaces alanine 760 with serine.
Molecular consequence: missense variant. On other transcripts: non-coding transcript variant (1).
Genome position (GRCh38, 1-based): chrX:111,728,215, G>T. VCF-style: chrX-111728215-G-T. GRCh37 (hg19) VCF-style: chrX-110971443-G-T.
Other names: c.1966G>T, p.Ala656Ser (NM_001257230.2, NM_001257234.2, NM_001257237.2); c.2044G>T, p.Ala682Ser (NM_001257231.2); c.2278G>T, p.Ala760Ser (NM_001324292.2); c.1792G>T, p.Ala598Ser (NM_001324293.1); short protein forms A598S, A656S, A682S, A760S.
Identifiers: ClinVar variation 710581 (VCV000710581.23), dbSNP rs773286994, ClinGen allele CA10493854.
Genomic context (GRCh38, chrX:111,728,215, plus strand): 5'-CTGCAGTGTGTGTGTGTCTCTCTGATACAGAATCATGGAGGTCCCTCTACAATGGTTCCT[G>T]CTACTTCAGGATACTGTGTTGGAAGGCGGGGACATAGCTCAGGCAAACAGACTTTGAATT-3'
Protein context (NP_001093392.1, residues 750-770): NHGGPSTMVP[Ala760Ser]TSGYCVGRRG